The following is an entry in ClinVar:

NM_001152.5(SLC25A5):c.489G>A (p.Lys163=)

Gene: SLC25A5 (solute carrier family 25 member 5; plus strand). Cytogenetic location: Xq24.
Variant type: single nucleotide variant.
Coding change: c.489G>A on transcript NM_001152.5 (MANE Select); coding-DNA position 489, G replaced by A.
Protein change: p.Lys163=; no amino-acid change (lysine 163 retained).
Molecular consequence: synonymous variant.
Genome position (GRCh38, 1-based): chrX:119,470,038, G>A. VCF-style: chrX-119470038-G-A. GRCh37 (hg19) VCF-style: chrX-118604001-G-A.
Identifiers: ClinVar variation 2661291 (VCV002661291.24), dbSNP rs2521435537, ClinGen allele CA518452617.

ClinVar aggregate classification (germline): Likely benign (1 of 4 stars; one submission).

Submission:

CeGaT Center for Human Genetics Tuebingen
Classification: Likely benign. Last evaluated: 2023-03-01. Review status: criteria provided, single submitter. Criteria: CeGaT Center For Human Genetics Tuebingen Variant Classification Criteria Version 2. Collection method: clinical testing. Allele origin: germline. Affected: yes. Observed: 1 variant allele.
Comment: SLC25A5: PM2:Supporting, BP4, BP7